The following is an entry in ClinVar:

NM_080680.3(COL11A2):c.271C>T (p.Arg91Trp)

Gene: COL11A2 (collagen type XI alpha 2 chain; minus strand). Cytogenetic location: 6p21.32.
Variant type: single nucleotide variant.
Coding change: c.271C>T on transcript NM_080680.3 (MANE Select); coding-DNA position 271, C replaced by T.
Protein change: p.Arg91Trp; replaces arginine 91 with tryptophan.
Molecular consequence: missense variant. On other transcripts: 5 prime UTR variant (3), non-coding transcript variant (1).
Genome position (GRCh38, 1-based): chr6:33,189,150, G>A on the plus strand (C>T on the coding strand, the complement: COL11A2 is on the minus strand). VCF-style: chr6-33189150-G-A. GRCh37 (hg19) VCF-style: chr6-33156927-G-A.
Other names: c.271C>T, p.Arg91Trp (NM_001163771.2, NM_001424108.1, NM_080679.3 and 1 more transcripts); c.-576C>T (NM_001424109.1, NM_001424110.1, NM_001424111.1); short protein forms R91W.
Identifiers: ClinVar variation 4691515 (VCV004691515.1).

ClinVar aggregate classification (germline): Uncertain significance (1 of 4 stars; one submission).

gnomAD v4.1: 7 of 1,613,972 alleles (0.00043%); highest among the groups gnomAD compares: East Asian, 0.0045%; no homozygotes.

Submission:

Labcorp Genetics (formerly Invitae), Labcorp
Classification: Uncertain significance. Last evaluated: 2025-10-25. Review status: criteria provided, single submitter. Criteria: Invitae Variant Classification Sherloc (09022015). Collection method: clinical testing. Allele origin: germline.
Comment: This sequence change replaces arginine, which is basic and polar, with tryptophan, which is neutral and slightly polar, at codon 91 of the COL11A2 protein (p.Arg91Trp). This variant is present in population databases (rs776656481, gnomAD 0.003%). This variant has not been reported in the literature in individuals affected with COL11A2-related conditions. Invitae Evidence Modeling of protein sequence and biophysical properties (such as structural, functional, and spatial information, amino acid conservation, physicochemical variation, residue mobility, and thermodynamic stability) indicates that this missense variant is not expected to disrupt COL11A2 protein function with a negative predictive value of 95%. This variant disrupts the p.Arg91Gln amino acid residue in COL11A2. Other variant(s) that disrupt this residue have been determined to be pathogenic (internal data). This suggests that this residue is clinically significant, and that variants that disrupt this residue are likely to be disease-causing. In summary, the available evidence is currently insufficient to determine the role of this variant in disease. Therefore, it has been classified as a Variant of Uncertain Significance.